The following is an entry in ClinVar:

ClinVar aggregate classification (germline): Uncertain significance (1 of 4 stars; one submission).

Conditions:
ALG1-congenital disorder of glycosylation. Also called: CDG Ik; CONGENITAL DISORDER OF GLYCOSYLATION, TYPE Ik; ALG1-CDG. Identifiers: Orphanet 79327, MedGen C2931005, MONDO:0012052, OMIM 608540.

Submission:

Labcorp Genetics (formerly Invitae), Labcorp
Classification: Uncertain significance for ALG1-congenital disorder of glycosylation. Last evaluated: 2022-07-05. Review status: criteria provided, single submitter. Criteria: Invitae Variant Classification Sherloc (09022015). Collection method: clinical testing. Allele origin: germline.
Comment: In summary, the available evidence is currently insufficient to determine the role of this variant in disease. Therefore, it has been classified as a Variant of Uncertain Significance. Experimental studies and prediction algorithms are not available or were not evaluated, and the functional significance of this variant is currently unknown. This variant has not been reported in the literature in individuals affected with ALG1-related conditions. This variant is not present in population databases (gnomAD no frequency). This variant, c.1213_1215del, results in the deletion of 1 amino acid(s) of the ALG1 protein (p.Glu405del), but otherwise preserves the integrity of the reading frame.

NM_019109.5(ALG1):c.1210GAA[1] (p.Glu405del)

Gene: ALG1 (ALG1 chitobiosyldiphosphodolichol beta-mannosyltransferase; plus strand). Cytogenetic location: 16p13.3.
Variant type: Microsatellite.
Coding change: c.1210GAA[1] on transcript NM_019109.5 (MANE Select); one copy of the 3-base unit GAA starting at c.1210; the reference has two copies in a row; one copy, 3 bases deleted.
Protein change: p.Glu405del; deletes glutamic acid 405.
Molecular consequence: inframe deletion.
Genome position (GRCh38, 1-based): chr16:5,083,707-5,083,709, GAA deleted; deleting any 3 consecutive bases within chr16:5,083,704-5,083,709 gives the same sequence; the position shown is the placement nearest the transcript's 3' end. VCF-style (leftmost placement, unchanged base first): chr16-5083703-TGAA-T. GRCh37 (hg19) VCF-style: chr16-5133704-TGAA-T.
Other names: c.877GAA[1], p.Glu294del (NM_001330504.2); short protein forms E294del, E405del.
Identifiers: ClinVar variation 2181826 (VCV002181826.4), dbSNP rs1957058389, ClinGen allele CA2203698933.
Genomic context (GRCh38, chr16:5,083,703, plus strand): 5'-CTACAGGCAGCTCTCAGGCTCCCTTGGTTCTCTCTGCAGTTTACATGAGCTGGTGAAACA[TGAA>T]GAAAATGGCCTGGTCTTTGAGGACTCAGAGGAACTGGCAGCTCAGCTGCAGGTAGCCACG-3'